The following is an entry in ClinVar:

NM_014795.4(ZEB2):c.1836G>A (p.Ala612=)

Gene: ZEB2 (zinc finger E-box binding homeobox 2; minus strand). Cytogenetic location: 2q22.3.
Variant type: single nucleotide variant.
Coding change: c.1836G>A on transcript NM_014795.4 (MANE Select); coding-DNA position 1836, G replaced by A.
Protein change: p.Ala612=; no amino-acid change (alanine 612 retained).
Molecular consequence: synonymous variant.
Genome position (GRCh38, 1-based): chr2:144,399,351, C>T on the plus strand (G>A on the coding strand, the complement: ZEB2 is on the minus strand). VCF-style: chr2-144399351-C-T. GRCh37 (hg19) VCF-style: chr2-145156918-C-T.
Other names: c.1764G>A, p.Ala588= (NM_001171653.2).
Identifiers: ClinVar variation 466277 (VCV000466277.38), dbSNP rs754916469, ClinGen allele CA1898307.

ClinVar aggregate classification (germline): Benign/Likely benign. Review status: criteria provided, multiple submitters, no conflicts (2 of 4 stars). 5 submissions from 5 submitters: Benign (2); Likely benign (3). Last evaluated 2025-05-22.

Conditions:
Mowat-Wilson syndrome (MOWS). Also called: Classic Mowat-Wilson Syndrome. Identifiers: Orphanet 2152, MedGen C1856113, MONDO:0009341, OMIM 235730.
Inborn genetic diseases. Identifiers: MedGen C0950123, MeSH D030342.

Allele frequency attached by ClinVar (database versions not stated): ExAC 0.00002; gnomAD exomes 0.00002; gnomAD 0.00003; TOPMed 0.00005.
gnomAD v4.1: 25 of 1,613,952 alleles (0.0015%); highest among the groups gnomAD compares: Middle Eastern, 0.033%; no homozygotes.

Submissions (5):

Labcorp Genetics (formerly Invitae), Labcorp
Classification: Likely benign for Mowat-Wilson syndrome. Last evaluated: 2025-05-22. Review status: criteria provided, single submitter. Criteria: Invitae Variant Classification Sherloc (09022015). Collection method: clinical testing. Allele origin: germline.

CeGaT Center for Human Genetics Tuebingen
Classification: Likely benign. Last evaluated: 2024-05-01. Review status: criteria provided, single submitter. Criteria: CeGaT Center For Human Genetics Tuebingen Variant Classification Criteria Version 2. Collection method: clinical testing. Allele origin: germline. Affected: yes. Observed: 1 variant allele.
Comment: ZEB2: BP4, BP7

Genome-Nilou Lab
Classification: Benign for Mowat-Wilson syndrome. Last evaluated: 2021-11-07. Review status: criteria provided, single submitter. Criteria: ACMG Guidelines, 2015. Collection method: clinical testing. Allele origin: germline. Affected: no.

Ambry Genetics
Classification: Likely benign for Inborn genetic diseases. Last evaluated: 2016-06-01. Review status: criteria provided, single submitter. Criteria: Ambry Variant Classification Scheme 2023. Collection method: clinical testing. Allele origin: germline.

GeneDx
Classification: Benign. Last evaluated: 2015-05-12. Review status: criteria provided, single submitter. Criteria: GeneDx Variant Classification Process June 2021. Collection method: clinical testing. Allele origin: germline. Affected: yes.